The following is an entry in ClinVar:

ClinVar aggregate classification (germline): Uncertain significance. Review status: criteria provided, multiple submitters, no conflicts (2 of 4 stars). 5 submissions from 5 submitters: Uncertain significance (5). Last evaluated 2025-12-22.

Conditions:
Malignant hyperthermia, susceptibility to, 1 (MHS1). Also called: Anesthesia related hyperthermia; Malignant hyperpyrexia; Fulminating hyperpyrexia; Pharmacogenic myopathy; RYR1-Related Malignant Hyperthermia Susceptibility; Malignant hyperthermia suceptibility 1. Identifiers: Orphanet 423, MedGen C2930980, MONDO:0007783, OMIM 145600.
King Denborough syndrome (KDS). Identifiers: MedGen C1840365, MONDO:0020485, OMIM 619542.
Congenital multicore myopathy with external ophthalmoplegia (CMYO1B). Also called: MULTIMINICORE DISEASE WITH EXTERNAL OPHTHALMOPLEGIA; MULTICORE MYOPATHY; Congenital myopathy 1B, autosomal recessive; Minicore myopathy; Minicore myopathy with external ophthalmoplegia. Identifiers: Orphanet 598, Orphanet 98905, MedGen C1850674, MONDO:0009712, OMIM 255320, HP:0003789.
Congenital myopathy with fiber type disproportion. Also called: Congenital fiber-type disproportion myopathy; Congenital fiber-type disproportion. Identifiers: Orphanet 2020, MedGen C0546264, MONDO:0009711. Inheritance: all.
Central core myopathy (CMYO1A). Also called: Central core disease; Myopathy, central fibrillar; CONGENITAL MYOPATHY 1A, AUTOSOMAL DOMINANT, WITH SUSCEPTIBILITY TO MALIGNANT HYPERTHERMIA. Identifiers: Orphanet 597, MedGen C5830701, MONDO:0007294, OMIM 117000.
Inborn genetic diseases. Identifiers: MedGen C0950123, MeSH D030342.
RYR1-related disorder. Also called: RYR1-related disorders; RYR1-related condition. Identifiers: MedGen CN239331.

Allele frequency attached by ClinVar (database versions not stated): gnomAD exomes 0.00001 and 0.00004; ExAC 0.00004; gnomAD 0.00006 and 0.00007; TOPMed 0.00008; 1000 Genomes Project 30x 0.00016; 1000 Genomes Project 0.00020; ESP Exome Variant Server 0.00023.
gnomAD v4.1: 21 of 1,612,736 alleles (0.0013%); highest among the groups gnomAD compares: African/African-American, 0.021%; no homozygotes.

Submissions (5):

Labcorp Genetics (formerly Invitae), Labcorp
Classification: Uncertain significance for RYR1-related disorder. Last evaluated: 2025-12-22. Review status: criteria provided, single submitter. Criteria: Invitae Variant Classification Sherloc (09022015). Collection method: clinical testing. Allele origin: germline.
Comment: This sequence change replaces proline, which is neutral and non-polar, with leucine, which is neutral and non-polar, at codon 1795 of the RYR1 protein (p.Pro1795Leu). This variant is present in population databases (rs141379562, gnomAD 0.04%). This variant has not been reported in the literature in individuals affected with RYR1-related conditions. ClinVar contains an entry for this variant (Variation ID: 1414780). Invitae Evidence Modeling of protein sequence and biophysical properties (such as structural, functional, and spatial information, amino acid conservation, physicochemical variation, residue mobility, and thermodynamic stability) indicates that this missense variant is not expected to disrupt RYR1 protein function with a negative predictive value of 80%. In summary, the available evidence is currently insufficient to determine the role of this variant in disease. Therefore, it has been classified as a Variant of Uncertain Significance.

Ambry Genetics
Classification: Uncertain significance for Inborn genetic diseases. Last evaluated: 2025-04-03. Review status: criteria provided, single submitter. Criteria: Ambry Variant Classification Scheme 2023. Collection method: clinical testing. Allele origin: germline.

All of Us Research Program, National Institutes of Health
Classification: Uncertain significance for Malignant hyperthermia, susceptibility to, 1. Last evaluated: 2024-06-11. Review status: criteria provided, single submitter. Criteria: ACMG Guidelines, 2015. Collection method: clinical testing. Allele origin: germline. Inheritance: Autosomal dominant inheritance. Observed: 9 variant alleles, 9 heterozygotes.
Comment: This missense variant replaces proline with leucine at codon 1795 of the RYR1 protein. Computational prediction suggests that this variant may not impact protein structure and function (internally defined REVEL score threshold <= 0.5, PMID: 27666373). To our knowledge, functional studies have not been reported for this variant. This variant has not been reported in individuals affected with RYR1-related disorders in the literature. This variant has been identified in 11/271280 chromosomes in the general population by the Genome Aggregation Database (gnomAD). The available evidence is insufficient to determine the role of this variant in disease conclusively. Therefore, this variant is classified as a Variant of Uncertain Significance.

This study involves interpretation of variants in research participants for the purpose of population health screening. Participant phenotype was not available at the time of variant classification. Additional details can be found in publication PMID: 35346344, PMCID: PMC8962531

Color Diagnostics, LLC DBA Color Health
Classification: Uncertain significance for Malignant hyperthermia, susceptibility to, 1. Last evaluated: 2024-03-06. Review status: criteria provided, single submitter. Criteria: ACMG Guidelines, 2015. Collection method: clinical testing. Allele origin: germline.
Comment: This missense variant replaces proline with leucine at codon 1795 of the RYR1 protein. Computational prediction suggests that this variant may not impact protein structure and function. To our knowledge, functional studies have not been reported for this variant. This variant has not been reported in individuals affected with RYR1-related disorders in the literature. This variant has been identified in 11/271280 chromosomes in the general population by the Genome Aggregation Database (gnomAD). The available evidence is insufficient to determine the role of this variant in disease conclusively. Therefore, this variant is classified as a Variant of Uncertain Significance.

Fulgent Genetics
Classification: Uncertain significance for Central core myopathy; Malignant hyperthermia, susceptibility to, 1; Congenital myopathy 4A, autosomal dominant; Congenital multicore myopathy with external ophthalmoplegia; King Denborough syndrome. Last evaluated: 2021-09-13. Review status: criteria provided, single submitter. Criteria: ACMG Guidelines, 2015. Collection method: clinical testing. Allele origin: unknown.

NM_000540.3(RYR1):c.5384C>T (p.Pro1795Leu)

Gene: RYR1 (ryanodine receptor 1; plus strand). Cytogenetic location: 19q13.2.
Variant type: single nucleotide variant.
Coding change: c.5384C>T on transcript NM_000540.3 (MANE Select); coding-DNA position 5384, C replaced by T.
Protein change: p.Pro1795Leu; replaces proline 1795 with leucine.
Molecular consequence: missense variant.
Genome position (GRCh38, 1-based): chr19:38,486,039, C>T. VCF-style: chr19-38486039-C-T. GRCh37 (hg19) VCF-style: chr19-38976679-C-T.
Other names: c.5384C>T, p.Pro1795Leu (NM_001042723.2); short protein forms P1795L.
Identifiers: ClinVar variation 1414780 (VCV001414780.10), dbSNP rs141379562, ClinGen allele CA024518.